The following is an entry in ClinVar:

NM_001017420.3(ESCO2):c.250G>C (p.Val84Leu)

Gene: ESCO2 (establishment of sister chromatid cohesion N-acetyltransferase 2; plus strand). Cytogenetic location: 8p21.1.
Variant type: single nucleotide variant.
Coding change: c.250G>C on transcript NM_001017420.3 (MANE Select); coding-DNA position 250, G replaced by C.
Protein change: p.Val84Leu; replaces valine 84 with leucine.
Molecular consequence: missense variant.
Genome position (GRCh38, 1-based): chr8:27,776,558, G>C. VCF-style: chr8-27776558-G-C. GRCh37 (hg19) VCF-style: chr8-27634075-G-C.
Other names: short protein forms V84L.
Identifiers: ClinVar variation 1904647 (VCV001904647.3), dbSNP rs371077886, ClinGen allele CA4692023.

ClinVar aggregate classification (germline): Uncertain significance. Review status: criteria provided, multiple submitters, no conflicts (2 of 4 stars). 2 submissions from 2 submitters: Uncertain significance (2). Last evaluated 2022-06-04.

Conditions:
Inborn genetic diseases. Identifiers: MedGen C0950123, MeSH D030342.

Allele frequency attached by ClinVar (database versions not stated): ExAC 0.00001; gnomAD exomes 0.00002; TOPMed 0.00002; gnomAD 0.00003; ESP Exome Variant Server 0.00008.
gnomAD v4.1: 27 of 1,613,984 alleles (0.0017%); highest among the groups gnomAD compares: African/African-American, 0.004%; no homozygotes.

Submissions (2):

Labcorp Genetics (formerly Invitae), Labcorp
Classification: Uncertain significance. Last evaluated: 2022-06-04. Review status: criteria provided, single submitter. Criteria: Invitae Variant Classification Sherloc (09022015). Collection method: clinical testing. Allele origin: germline.
Comment: This sequence change replaces valine, which is neutral and non-polar, with leucine, which is neutral and non-polar, at codon 84 of the ESCO2 protein (p.Val84Leu). This variant is present in population databases (rs371077886, gnomAD 0.004%). This variant has not been reported in the literature in individuals affected with ESCO2-related conditions. Algorithms developed to predict the effect of missense changes on protein structure and function (SIFT, PolyPhen-2, Align-GVGD) all suggest that this variant is likely to be tolerated. In summary, the available evidence is currently insufficient to determine the role of this variant in disease. Therefore, it has been classified as a Variant of Uncertain Significance.

Ambry Genetics
Classification: Uncertain significance for Inborn genetic diseases. Last evaluated: 2021-08-02. Review status: criteria provided, single submitter. Criteria: Ambry Variant Classification Scheme 2023. Collection method: clinical testing. Allele origin: germline.